The following is an entry in ClinVar:

ClinVar aggregate classification (germline): Conflicting classifications of pathogenicity. Review status: criteria provided, conflicting classifications (1 of 4 stars). 2 submissions from 2 submitters: Uncertain significance (1); Likely benign (1). Last evaluated 2024-04-09.

Conditions:
Charcot-Marie-Tooth disease axonal type 2Z. Also called: CHARCOT-MARIE-TOOTH DISEASE, AXONAL, AUTOSOMAL DOMINANT, TYPE 2Z; CHARCOT-MARIE-TOOTH NEUROPATHY, TYPE 2Z. Identifiers: Orphanet 466768, MedGen C5569025, MONDO:0014736, OMIM 616688.
Inborn genetic diseases. Identifiers: MedGen C0950123, MeSH D030342.

Allele frequency attached by ClinVar (database versions not stated): gnomAD exomes below 0.00001; ExAC 0.00001; gnomAD 0.00001; TOPMed 0.00002; 1000 Genomes Project 0.00020; 1000 Genomes Project 30x 0.00031.

Submissions (2):

Labcorp Genetics (formerly Invitae), Labcorp
Classification: Likely benign for Charcot-Marie-Tooth disease axonal type 2Z. Last evaluated: 2024-04-09. Review status: criteria provided, single submitter. Criteria: Invitae Variant Classification Sherloc (09022015). Collection method: clinical testing. Allele origin: germline.

Ambry Genetics
Classification: Uncertain significance for Inborn genetic diseases. Last evaluated: 2020-03-21. Review status: criteria provided, single submitter. Criteria: Ambry Variant Classification Scheme 2023. Collection method: clinical testing. Allele origin: germline.
Comment: The c.1369+5T>A intronic variant results from a T to A substitution 5 nucleotides after coding exon 14 in the MORC2 gene. This nucleotide position is well conserved in available vertebrate species. Using the BDGP and ESEfinder splice site prediction tools, this alteration is not predicted to have any significant effect on this splice donor site; however, direct evidence is unavailable. Since supporting evidence is limited at this time, the clinical significance of this alteration remains unclear.

NM_001303256.3(MORC2):c.1369+5T>A

Gene: MORC2 (MORC family CW-type zinc finger 2; minus strand). Cytogenetic location: 22q12.2.
Variant type: single nucleotide variant.
Coding change: c.1369+5T>A on transcript NM_001303256.3 (MANE Select); 5 bases into the intron after coding-DNA position 1369, T replaced by A.
Molecular consequence: intron variant.
Genome position (GRCh38, 1-based): chr22:30,937,810, A>T on the plus strand (T>A on the coding strand, the complement: MORC2 is on the minus strand). VCF-style: chr22-30937810-A-T. GRCh37 (hg19) VCF-style: chr22-31333797-A-T.
Other names: c.1369+5T>A (NM_001303257.2); c.1183+5T>A (NM_014941.3).
Identifiers: ClinVar variation 953174 (VCV000953174.10), dbSNP rs147800268, ClinGen allele CA10186994.